The following is an entry in ClinVar:

NM_000051.4(ATM):c.4897A>G (p.Arg1633Gly)

Gene: ATM (ATM serine/threonine kinase; plus strand). Cytogenetic location: 11q22.3.
Variant type: single nucleotide variant.
Coding change: c.4897A>G on transcript NM_000051.4 (MANE Select); coding-DNA position 4897, A replaced by G.
Protein change: p.Arg1633Gly; replaces arginine 1633 with glycine.
Molecular consequence: missense variant.
Genome position (GRCh38, 1-based): chr11:108,295,047, A>G. VCF-style: chr11-108295047-A-G. GRCh37 (hg19) VCF-style: chr11-108165774-A-G.
Other names: c.4897A>G, p.Arg1633Gly (NM_001351834.2); short protein forms R1633G.
Identifiers: ClinVar variation 825265 (VCV000825265.8), dbSNP rs1591685231, ClinGen allele CA382537251.

ClinVar aggregate classification (germline): Uncertain significance. Review status: criteria provided, multiple submitters, no conflicts (2 of 4 stars). 3 submissions from 3 submitters: Uncertain significance (2). 1 of the submissions does not count toward it. Last evaluated 2025-09-04.

Conditions:
Hereditary cancer-predisposing syndrome. Also called: Neoplastic Syndromes, Hereditary; Hereditary Cancer Syndrome; Hereditary neoplastic syndrome; Tumor predisposition. Identifiers: Orphanet 140162, MedGen C0027672, MeSH D009386, MONDO:0015356.
Ataxia-telangiectasia syndrome (AT). Also called: ATAXIA-TELANGIECTASIA, COMPLEMENTATION GROUP A; ATAXIA-TELANGIECTASIA, FRESNO VARIANT; Ataxia-telangiectasia, complementation group E; Ataxia telangiectasia (A-T); LOUIS-BAR SYNDROME; Cerebello-oculocutaneous telangiectasia. Identifiers: Orphanet 100, MedGen C0004135, MONDO:0008840, OMIM 208900.

gnomAD v4.1: 1 of 1,613,920 alleles (0.000062%); highest among the groups gnomAD compares: East Asian, 0.0022%; no homozygotes.

Submissions (3):

Labcorp Genetics (formerly Invitae), Labcorp
Classification: Uncertain significance for Ataxia-telangiectasia syndrome. Last evaluated: 2025-09-04. Review status: criteria provided, single submitter. Criteria: Invitae Variant Classification Sherloc (09022015). Collection method: clinical testing. Allele origin: germline.
Comment: This sequence change replaces arginine, which is basic and polar, with glycine, which is neutral and non-polar, at codon 1633 of the ATM protein (p.Arg1633Gly). This variant is not present in population databases (gnomAD no frequency). This variant has not been reported in the literature in individuals affected with ATM-related conditions. ClinVar contains an entry for this variant (Variation ID: 825265). Invitae Evidence Modeling of protein sequence and biophysical properties (such as structural, functional, and spatial information, amino acid conservation, physicochemical variation, residue mobility, and thermodynamic stability) indicates that this missense variant is not expected to disrupt ATM protein function with a negative predictive value of 95%. In summary, the available evidence is currently insufficient to determine the role of this variant in disease. Therefore, it has been classified as a Variant of Uncertain Significance.

Ambry Genetics
Classification: Uncertain significance for Hereditary cancer-predisposing syndrome. Last evaluated: 2022-10-24. Review status: criteria provided, single submitter. Criteria: Ambry Variant Classification Scheme 2023. Collection method: clinical testing. Allele origin: germline.
Comment: The p.R1633G variant (also known as c.4897A>G), located in coding exon 31 of the ATM gene, results from an A to G substitution at nucleotide position 4897. The arginine at codon 1633 is replaced by glycine, an amino acid with dissimilar properties. This amino acid position is not well conserved in available vertebrate species. In addition, this alteration is predicted to be tolerated by in silico analysis. Since supporting evidence is limited at this time, the clinical significance of this alteration remains unclear.

Natera, Inc.
Classification: Uncertain significance for Ataxia-telangiectasia. Last evaluated: 2020-09-16. Review status: no assertion criteria provided. Collection method: clinical testing. Allele origin: germline. Not counted in ClinVar's aggregate classification.